The following is an entry in ClinVar:

ClinVar aggregate classification (germline): Uncertain significance (1 of 4 stars; one submission).

Conditions:
Polycystic kidney disease, adult type (PKD1). Also called: Polycystic Kidney, Autosomal Dominant; POLYCYSTIC KIDNEY DISEASE, ADULT, TYPE I; Polycystic Kidney Disease 1, Autosomal Dominant; Polycystic kidney disease 1; Polycystic kidney disease 1, severe; POLYCYSTIC KIDNEY DISEASE 1 WITH OR WITHOUT POLYCYSTIC LIVER DISEASE. Identifiers: MedGen C3149841, MONDO:0008263, OMIM 173900.

Submission:

MVZ Medizinische Genetik Mainz
Classification: Uncertain significance for Polycystic kidney disease, adult type. Last evaluated: 2026-04-15. Review status: criteria provided, single submitter. Criteria: UK Practice Guidelines For Variant Classification V4 01 2020. Collection method: clinical testing. Allele origin: germline. Inheritance: Autosomal dominant inheritance. Affected: yes. Observed: 1 variant allele.
Comment: ACMG Criteria: PM2_SUP,PM5_SUP,PP4

NM_001009944.3(PKD1):c.6509A>T (p.Glu2170Val)

Gene: PKD1 (polycystin 1, transient receptor potential channel interacting; minus strand). Cytogenetic location: 16p13.3.
Variant type: single nucleotide variant.
Coding change: c.6509A>T on transcript NM_001009944.3 (MANE Select); coding-DNA position 6509, A replaced by T.
Protein change: p.Glu2170Val; replaces glutamic acid 2170 with valine.
Molecular consequence: missense variant.
Genome position (GRCh38, 1-based): chr16:2,108,658, T>A on the plus strand (A>T on the coding strand, the complement: PKD1 is on the minus strand). VCF-style: chr16-2108658-T-A. GRCh37 (hg19) VCF-style: chr16-2158659-T-A.
Other names: c.6509A>T, p.Glu2170Val (NM_000296.4); short protein forms E2170V.
Identifiers: ClinVar variation 4852337 (VCV004852337.1).